The following is an entry in ClinVar:

NM_004415.4(DSP):c.5579T>C (p.Ile1860Thr)

Gene: DSP (desmoplakin; plus strand). Cytogenetic location: 6p24.3.
Variant type: single nucleotide variant.
Coding change: c.5579T>C on transcript NM_004415.4 (MANE Select); coding-DNA position 5579, T replaced by C.
Protein change: p.Ile1860Thr; replaces isoleucine 1860 with threonine.
Molecular consequence: missense variant.
Genome position (GRCh38, 1-based): chr6:7,582,841, T>C. VCF-style: chr6-7582841-T-C. GRCh37 (hg19) VCF-style: chr6-7583074-T-C.
Other names: c.3782T>C, p.Ile1261Thr (NM_001008844.3); c.4250T>C, p.Ile1417Thr (NM_001319034.2); short protein forms I1860T, I1417T, I1261T.
Identifiers: ClinVar variation 922506 (VCV000922506.5), dbSNP rs1360244764, ClinGen allele CA362688938.

ClinVar aggregate classification (germline): Uncertain significance (1 of 4 stars; one submission).

Conditions:
Cardiomyopathy (CMYO). Also called: Cardiomyopathies. Identifiers: Orphanet 167848, MedGen C0878544, MONDO:0004994, HP:0001638. Inheritance: Various modes of inheritance.

Allele frequency attached by ClinVar (database versions not stated): gnomAD exomes below 0.00001.
gnomAD v4.1: 1 of 1,613,772 alleles (0.000062%); highest among the groups gnomAD compares: South Asian, 0.0011%; no homozygotes.

Submission:

Color Diagnostics, LLC DBA Color Health
Classification: Uncertain significance for Cardiomyopathy. Last evaluated: 2023-12-04. Review status: criteria provided, single submitter. Criteria: ACMG Guidelines, 2015. Collection method: clinical testing. Allele origin: germline.
Comment: Variant of Uncertain Significance due to insufficient evidence: This missense variant is located in the central rod domain of the DSP protein. Computational prediction tools and conservation analyses are inconclusive regarding the impact of this variant on the protein function. Computational splicing tools suggest that this variant may not impact RNA splicing. To our knowledge, functional assays have not been performed for this variant nor has this variant been reported in individuals affected with cardiovascular disorders in the literature. This variant has been identified in 1/246254 chromosomes in the general population by the Genome Aggregation Database (gnomAD). Available evidence is insufficient to determine the role of this variant in disease conclusively.